The following is an entry in ClinVar:

ClinVar aggregate classification (germline): Uncertain significance. Review status: criteria provided, multiple submitters, no conflicts (2 of 4 stars). 2 submissions from 2 submitters: Uncertain significance (2). Last evaluated 2024-12-12.

Conditions:
Inborn genetic diseases. Identifiers: MedGen C0950123, MeSH D030342.

Allele frequency attached by ClinVar (database versions not stated): TOPMed below 0.00001; ExAC 0.00001; gnomAD 0.00001; gnomAD exomes 0.00001.
gnomAD v4.1: 8 of 1,613,906 alleles (0.0005%); highest among the groups gnomAD compares: South Asian, 0.0066%; no homozygotes.

Submissions (2):

Ambry Genetics
Classification: Uncertain significance for Inborn genetic diseases. Last evaluated: 2024-12-12. Review status: criteria provided, single submitter. Criteria: Ambry Variant Classification Scheme 2023. Collection method: clinical testing. Allele origin: germline.

Labcorp Genetics (formerly Invitae), Labcorp
Classification: Uncertain significance. Last evaluated: 2023-08-10. Review status: criteria provided, single submitter. Criteria: Invitae Variant Classification Sherloc (09022015). Collection method: clinical testing. Allele origin: germline.
Comment: ClinVar contains an entry for this variant (Variation ID: 1062347). This sequence change replaces proline, which is neutral and non-polar, with serine, which is neutral and polar, at codon 758 of the TRPM1 protein (p.Pro758Ser). This variant is present in population databases (rs751792952, gnomAD 0.007%). This variant has not been reported in the literature in individuals affected with TRPM1-related conditions. Advanced modeling of protein sequence and biophysical properties (such as structural, functional, and spatial information, amino acid conservation, physicochemical variation, residue mobility, and thermodynamic stability) has been performed at Invitae for this missense variant, however the output from this modeling did not meet the statistical confidence thresholds required to predict the impact of this variant on TRPM1 protein function. In summary, the available evidence is currently insufficient to determine the role of this variant in disease. Therefore, it has been classified as a Variant of Uncertain Significance.

NM_001252024.2(TRPM1):c.2338C>T (p.Pro780Ser)

Gene: TRPM1 (transient receptor potential cation channel subfamily M member 1; minus strand). Cytogenetic location: 15q13.3.
Variant type: single nucleotide variant.
Coding change: c.2338C>T on transcript NM_001252024.2 (MANE Select); coding-DNA position 2338, C replaced by T.
Protein change: p.Pro780Ser; replaces proline 780 with serine.
Molecular consequence: missense variant.
Genome position (GRCh38, 1-based): chr15:31,038,145, G>A on the plus strand (C>T on the coding strand, the complement: TRPM1 is on the minus strand). VCF-style: chr15-31038145-G-A. GRCh37 (hg19) VCF-style: chr15-31330348-G-A.
Other names: c.2389C>T, p.Pro797Ser (NM_001252020.2); c.2272C>T, p.Pro758Ser (NM_002420.6); c.2272C>T (NM_002420.4); short protein forms P758S, P780S, P797S.
Identifiers: ClinVar variation 1062347 (VCV001062347.10), dbSNP rs751792952, ClinGen allele CA7452240.